The following is an entry in ClinVar:

ClinVar aggregate classification (germline): Likely benign (1 of 4 stars; one submission).

Allele frequency attached by ClinVar (database versions not stated): 1000 Genomes Project 0.00220; 1000 Genomes Project 30x 0.00234; TOPMed 0.00377; gnomAD 0.00401 and 0.00402; gnomAD exomes 0.00510.

Submission:

CeGaT Center for Human Genetics Tuebingen
Classification: Likely benign. Last evaluated: 2023-05-01. Review status: criteria provided, single submitter. Criteria: CeGaT Center For Human Genetics Tuebingen Variant Classification Criteria Version 2. Collection method: clinical testing. Allele origin: germline. Affected: yes. Observed: 4 variant alleles.
Comment: AGK: BS2

NC_000007.14:g.141551349G>A

Gene: AGK (acylglycerol kinase; plus strand). Cytogenetic location: 7q34.
Variant type: single nucleotide variant.
Genome position: GRCh38 VCF-style: chr7-141551349-G-A. GRCh37 (hg19) VCF-style: chr7-141251149-G-A.
Identifiers: ClinVar variation 359052 (VCV000359052.29), dbSNP rs552726046, ClinGen allele CA10628299.